The following is an entry in ClinVar:

NM_005159.5(ACTC1):c.289C>T (p.Arg97Cys)

Genes: ACTC1 (actin alpha cardiac muscle 1; minus strand), GJD2-DT (GJD2 divergent transcript; plus strand). Cytogenetic location: 15q14.
Variant type: single nucleotide variant.
Coding change: c.289C>T on transcript NM_005159.5 (MANE Select); coding-DNA position 289, C replaced by T.
Protein change: p.Arg97Cys; replaces arginine 97 with cysteine.
Molecular consequence: missense variant.
Genome position (GRCh38, 1-based): chr15:34,793,410, G>A on the plus strand (C>T on the coding strand, the complement: ACTC1 is on the minus strand). VCF-style: chr15-34793410-G-A. GRCh37 (hg19) VCF-style: chr15-35085611-G-A.
Other names: short protein forms R97C.
Identifiers: ClinVar variation 1508500 (VCV001508500.6), dbSNP rs759495229, ClinGen allele CA041519.

ClinVar aggregate classification (germline): Uncertain significance (1 of 4 stars; one submission).

Conditions:
Hypertrophic cardiomyopathy 11. Also called: ACTC1-Related Familial Hypertrophic Cardiomyopathy. Identifiers: MedGen C2677506, MONDO:0012799, OMIM 612098.
Dilated cardiomyopathy 1R (CMD1R). Identifiers: Orphanet 154, Orphanet 54260, MedGen C3150681, MONDO:0013261, OMIM 613424.
Atrial septal defect 5 (ASD5). Identifiers: Orphanet 1478, MedGen C2748552, MONDO:0013011, OMIM 612794.

Allele frequency attached by ClinVar (database versions not stated): gnomAD exomes below 0.00001 and 0.00001; ExAC 0.00001.

Submission:

Labcorp Genetics (formerly Invitae), Labcorp
Classification: Uncertain significance for Dilated cardiomyopathy 1R; Hypertrophic cardiomyopathy 11; Atrial septal defect 5. Last evaluated: 2021-08-31. Review status: criteria provided, single submitter. Criteria: Invitae Variant Classification Sherloc (09022015). Collection method: clinical testing. Allele origin: germline.
Comment: In summary, the available evidence is currently insufficient to determine the role of this variant in disease. Therefore, it has been classified as a Variant of Uncertain Significance. Experimental studies have shown that this missense change affects ACTC1 function (PMID: 31481237). Algorithms developed to predict the effect of missense changes on protein structure and function (SIFT, PolyPhen-2, Align-GVGD) all suggest that this variant is likely to be disruptive. This variant is also known as R95C. This missense change has been observed in individual(s) with hypertrophic cardiomyopathy (PMID: 18403758). This variant is present in population databases (rs759495229, ExAC 0.01%). This sequence change replaces arginine with cysteine at codon 97 of the ACTC1 protein (p.Arg97Cys). The arginine residue is highly conserved and there is a large physicochemical difference between arginine and cysteine.

Literature cited by the submitters: PubMed 31481237; PubMed 18403758.